The following is an entry in ClinVar:

NM_014718.4(CLSTN3):c.777T>C (p.Ala259=)

Gene: CLSTN3 (calsyntenin 3; plus strand). Cytogenetic location: 12p13.31.
Variant type: single nucleotide variant.
Coding change: c.777T>C on transcript NM_014718.4 (MANE Select); coding-DNA position 777, T replaced by C.
Protein change: p.Ala259=; no amino-acid change (alanine 259 retained).
Molecular consequence: synonymous variant.
Genome position (GRCh38, 1-based): chr12:7,136,240, T>C. VCF-style: chr12-7136240-T-C. GRCh37 (hg19) VCF-style: chr12-7288836-T-C.
Identifiers: ClinVar variation 2642665 (VCV002642665.24), dbSNP rs537697520, ClinGen allele CA6425269.

ClinVar aggregate classification (germline): Benign (1 of 4 stars; one submission).

Allele frequency attached by ClinVar (database versions not stated): TOPMed 0.00014; gnomAD 0.00045; gnomAD exomes 0.00067; ExAC 0.00156; 1000 Genomes Project 30x 0.00234; 1000 Genomes Project 0.00280.

Submission:

CeGaT Center for Human Genetics Tuebingen
Classification: Benign. Last evaluated: 2022-12-01. Review status: criteria provided, single submitter. Criteria: CeGaT Center For Human Genetics Tuebingen Variant Classification Criteria Version 2. Collection method: clinical testing. Allele origin: germline. Affected: yes. Observed: 1 variant allele.
Comment: CLSTN3: BP4, BP7, BS1, BS2